The following is an entry in ClinVar:

ClinVar aggregate classification (germline): Conflicting classifications of pathogenicity. Review status: criteria provided, conflicting classifications (1 of 4 stars). 4 submissions from 4 submitters: Uncertain significance (2); Likely benign (2). Last evaluated 2025-03-01.

Conditions:
Inborn genetic diseases. Identifiers: MedGen C0950123, MeSH D030342.

Allele frequency attached by ClinVar (database versions not stated): ESP Exome Variant Server 0.00008; ExAC 0.00012; gnomAD exomes 0.00018 and 0.00025; TOPMed 0.00024; gnomAD 0.00026.
gnomAD v4.1: 427 of 1,612,958 alleles (0.026%); highest among the groups gnomAD compares: Middle Eastern, 0.033%; no homozygotes.

Submissions (4):

CeGaT Center for Human Genetics Tuebingen
Classification: Likely benign. Last evaluated: 2025-03-01. Review status: criteria provided, single submitter. Criteria: CeGaT Center For Human Genetics Tuebingen Variant Classification Criteria Version 2. Collection method: clinical testing. Allele origin: germline. Affected: yes. Observed: 1 variant allele.
Comment: MPDZ: BP4

GeneDx
Classification: Uncertain significance. Last evaluated: 2025-01-16. Review status: criteria provided, single submitter. Criteria: GeneDx Variant Classification Process June 2021. Collection method: clinical testing. Allele origin: germline. Affected: yes.
Comment: In silico analysis indicates that this missense variant does not alter protein structure/function; Has not been previously published as pathogenic or benign to our knowledge

Ambry Genetics
Classification: Likely benign for Inborn genetic diseases. Last evaluated: 2024-10-23. Review status: criteria provided, single submitter. Criteria: Ambry Variant Classification Scheme 2023. Collection method: clinical testing. Allele origin: germline.

Labcorp Genetics (formerly Invitae), Labcorp
Classification: Uncertain significance. Last evaluated: 2022-10-24. Review status: criteria provided, single submitter. Criteria: Invitae Variant Classification Sherloc (09022015). Collection method: clinical testing. Allele origin: germline.
Comment: This sequence change replaces asparagine, which is neutral and polar, with serine, which is neutral and polar, at codon 1263 of the MPDZ protein (p.Asn1263Ser). This variant is present in population databases (rs184229465, gnomAD 0.07%). This variant has not been reported in the literature in individuals affected with MPDZ-related conditions. ClinVar contains an entry for this variant (Variation ID: 1392742). Algorithms developed to predict the effect of missense changes on protein structure and function output the following: SIFT: "Tolerated"; PolyPhen-2: "Benign"; Align-GVGD: "Class C0". The serine amino acid residue is found in multiple mammalian species, which suggests that this missense change does not adversely affect protein function. In summary, the available evidence is currently insufficient to determine the role of this variant in disease. Therefore, it has been classified as a Variant of Uncertain Significance.

NM_001378778.1(MPDZ):c.3788A>G (p.Asn1263Ser)

Gene: MPDZ (multiple PDZ domain crumbs cell polarity complex component; minus strand). Cytogenetic location: 9p23.
Variant type: single nucleotide variant.
Coding change: c.3788A>G on transcript NM_001378778.1 (MANE Select); coding-DNA position 3788, A replaced by G.
Protein change: p.Asn1263Ser; replaces asparagine 1263 with serine.
Molecular consequence: missense variant. On other transcripts: intron variant (14).
Genome position (GRCh38, 1-based): chr9:13,143,518, T>C on the plus strand (A>G on the coding strand, the complement: MPDZ is on the minus strand). VCF-style: chr9-13143518-T-C. GRCh37 (hg19) VCF-style: chr9-13143517-T-C.
Other names: c.3788A>G (NM_003829.4, NM_003829.3); c.3788A>G, p.Asn1263Ser (NM_001330637.2, NM_001375413.1, NM_003829.5); c.3631-3369A>G (NM_001375425.1, NM_001375420.1, NM_001375423.1 and 4 more transcripts); c.3742-3369A>G (NM_001375419.1, NM_001375416.1, NM_001375418.1 and 3 more transcripts); c.3433-3369A>G (NM_001375427.1); short protein forms N1263S.
Identifiers: ClinVar variation 1392742 (VCV001392742.13), dbSNP rs184229465, ClinGen allele CA4986970.